The following is an entry in ClinVar:

NM_015215.4(CAMTA1):c.2416T>G (p.Ser806Ala)

Gene: CAMTA1 (calmodulin binding transcription activator 1; plus strand). Cytogenetic location: 1p36.23.
Variant type: single nucleotide variant.
Coding change: c.2416T>G on transcript NM_015215.4 (MANE Select); coding-DNA position 2416, T replaced by G.
Protein change: p.Ser806Ala; replaces serine 806 with alanine.
Molecular consequence: missense variant.
Genome position (GRCh38, 1-based): chr1:7,664,963, T>G. VCF-style: chr1-7664963-T-G. GRCh37 (hg19) VCF-style: chr1-7725023-T-G.
Other names: c.2326T>G, p.Ser776Ala (NM_001349608.2, NM_001349612.2); c.2416T>G, p.Ser806Ala (NM_001349609.2, NM_001349610.2, NM_001410737.1); c.2344T>G, p.Ser782Ala (NM_001410738.1); short protein forms S776A, S782A, S806A.
Identifiers: ClinVar variation 3027146 (VCV003027146.22), dbSNP rs2523750355, ClinGen allele CA338134688.

ClinVar aggregate classification (germline): Uncertain significance (1 of 4 stars; one submission).

Submission:

CeGaT Center for Human Genetics Tuebingen
Classification: Uncertain significance. Last evaluated: 2024-02-01. Review status: criteria provided, single submitter. Criteria: CeGaT Center For Human Genetics Tuebingen Variant Classification Criteria Version 2. Collection method: clinical testing. Allele origin: germline. Affected: yes. Observed: 1 variant allele.
Comment: CAMTA1: PM2, BP4, BP5